The following is an entry in ClinVar:

NM_015662.3(IFT172):c.4847A>G (p.Asp1616Gly)

Genes: IFT172 (intraflagellar transport 172; minus strand), KRTCAP3 (keratinocyte associated protein 3; plus strand). Cytogenetic location: 2p23.3.
Variant type: single nucleotide variant.
Coding change: c.4847A>G on transcript NM_015662.3 (MANE Select); coding-DNA position 4847, A replaced by G.
Protein change: p.Asp1616Gly; replaces aspartic acid 1616 with glycine.
Molecular consequence: missense variant. On other transcripts: intron variant (1).
Genome position (GRCh38, 1-based): chr2:27,445,812, T>C on the plus strand (A>G on the coding strand, the complement: IFT172 is on the minus strand). VCF-style: chr2-27445812-T-C. GRCh37 (hg19) VCF-style: chr2-27668679-T-C.
Other names: c.4781A>G, p.Asp1594Gly (NM_001410739.1); c.*6-489T>C (NM_001168364.2); short protein forms D1616G, D1594G.
Identifiers: ClinVar variation 1390257 (VCV001390257.8), dbSNP rs754517347, ClinGen allele CA1579444.
Genomic context (GRCh38, chr2:27,445,812, plus strand): 5'-TGCTGCTTAGCTGGGAGTGGCACCTCAAAGGGAATGTCTGTATCCTGAAAATCAGAGTGG[T>C]CAAGGCCATCTAGAGTCCCTTCCTCGATTGCCTGCAGTAGAGTGGGCAACCATGAACTAG-3'
Protein context (NP_056477.1, residues 1606-1626): AIEEGTLDGL[Asp1616Gly]HSDFQDTDIP

ClinVar aggregate classification (germline): Uncertain significance. Review status: criteria provided, multiple submitters, no conflicts (2 of 4 stars). 2 submissions from 2 submitters: Uncertain significance (2). Last evaluated 2024-06-16.

Conditions:
Short-rib thoracic dysplasia 10 with or without polydactyly (SRTD10). Identifiers: Orphanet 474, MedGen C3810175, MONDO:0014284, OMIM 615630.
Retinitis pigmentosa 71 (RP71). Identifiers: Orphanet 791, MedGen C4225342, MONDO:0014618, OMIM 616394.
Inborn genetic diseases. Identifiers: MedGen C0950123, MeSH D030342.

Allele frequency attached by ClinVar (database versions not stated): gnomAD 0.00001; gnomAD exomes 0.00001 and below 0.00001; ExAC 0.00002.
gnomAD v4.1: 7 of 1,614,024 alleles (0.00043%); highest among the groups gnomAD compares: Non-Finnish European, 0.00051%; no homozygotes.

Submissions (2):

Ambry Genetics
Classification: Uncertain significance for Inborn genetic diseases. Last evaluated: 2024-06-16. Review status: criteria provided, single submitter. Criteria: Ambry Variant Classification Scheme 2023. Collection method: clinical testing. Allele origin: germline.

Labcorp Genetics (formerly Invitae), Labcorp
Classification: Uncertain significance for Retinitis pigmentosa 71; Short-rib thoracic dysplasia 10 with or without polydactyly. Last evaluated: 2023-08-24. Review status: criteria provided, single submitter. Criteria: Invitae Variant Classification Sherloc (09022015). Collection method: clinical testing. Allele origin: germline.
Comment: Advanced modeling of protein sequence and biophysical properties (such as structural, functional, and spatial information, amino acid conservation, physicochemical variation, residue mobility, and thermodynamic stability) performed at Invitae indicates that this missense variant is not expected to disrupt IFT172 protein function. ClinVar contains an entry for this variant (Variation ID: 1390257). This variant has not been reported in the literature in individuals affected with IFT172-related conditions. This variant is present in population databases (rs754517347, gnomAD 0.003%). This sequence change replaces aspartic acid, which is acidic and polar, with glycine, which is neutral and non-polar, at codon 1616 of the IFT172 protein (p.Asp1616Gly). Algorithms developed to predict the effect of sequence changes on RNA splicing suggest that this variant may disrupt the consensus splice site. In summary, the available evidence is currently insufficient to determine the role of this variant in disease. Therefore, it has been classified as a Variant of Uncertain Significance.